The following is an entry in ClinVar:

ClinVar aggregate classification (germline): Uncertain significance. Review status: criteria provided, multiple submitters, no conflicts (2 of 4 stars). 5 submissions from 4 submitters: Uncertain significance (5). Last evaluated 2025-12-09.

Conditions:
Catecholaminergic polymorphic ventricular tachycardia (CVPT). Also called: Catecholamine-induced polymorphic ventricular tachycardia. Identifiers: Orphanet 3286, MedGen C5574922, MONDO:0017990.
Arrhythmogenic right ventricular dysplasia 2. Identifiers: MedGen C1832931.
Cardiomyopathy (CMYO). Also called: Cardiomyopathies. Identifiers: Orphanet 167848, MedGen C0878544, MONDO:0004994, HP:0001638. Inheritance: Various modes of inheritance.
Catecholaminergic polymorphic ventricular tachycardia 1. Also called: VENTRICULAR TACHYCARDIA, CATECHOLAMINERGIC POLYMORPHIC, 1, WITH OR WITHOUT ATRIAL DYSFUNCTION AND/OR DILATED CARDIOMYOPATHY; VENTRICULAR TACHYCARDIA, STRESS-INDUCED POLYMORPHIC 1; RYR2-Related Catecholaminergic Polymorphic Ventricular Tachycardia. Identifiers: Orphanet 3286, MedGen C1631597, MONDO:0011484, OMIM 604772.

Allele frequency attached by ClinVar (database versions not stated): gnomAD exomes below 0.00001 and 0.00001; TOPMed below 0.00001; ExAC 0.00001; gnomAD 0.00001.
gnomAD v4.1: 4 of 1,613,280 alleles (0.00025%); highest among the groups gnomAD compares: South Asian, 0.0011%; no homozygotes.

Submissions (5):

Labcorp Genetics (formerly Invitae), Labcorp
Classification: Uncertain significance for Catecholaminergic polymorphic ventricular tachycardia 1. Last evaluated: 2025-12-09. Review status: criteria provided, single submitter. Criteria: Invitae Variant Classification Sherloc (09022015). Collection method: clinical testing. Allele origin: germline.
Comment: This sequence change replaces tyrosine, which is neutral and polar, with cysteine, which is neutral and slightly polar, at codon 1417 of the RYR2 protein (p.Tyr1417Cys). This variant is present in population databases (rs777557037, gnomAD 0.004%). This variant has not been reported in the literature in individuals affected with RYR2-related conditions. ClinVar contains an entry for this variant (Variation ID: 296723). Invitae Evidence Modeling of protein sequence and biophysical properties (such as structural, functional, and spatial information, amino acid conservation, physicochemical variation, residue mobility, and thermodynamic stability) indicates that this missense variant is not expected to disrupt RYR2 protein function with a negative predictive value of 95%. In summary, the available evidence is currently insufficient to determine the role of this variant in disease. Therefore, it has been classified as a Variant of Uncertain Significance.

Color Diagnostics, LLC DBA Color Health
Classification: Uncertain significance for Cardiomyopathy. Last evaluated: 2024-03-06. Review status: criteria provided, single submitter. Criteria: ACMG Guidelines, 2015. Collection method: clinical testing. Allele origin: germline.
Comment: This variant is located in the RYR2 protein. Computational prediction is inconclusive regarding the impact of this variant on protein structure and function (internally defined REVEL score threshold 0.5 < inconclusive < 0.7, PMID: 27666373). To our knowledge, functional studies have not been reported for this variant. This variant has not been reported in individuals affected with cardiovascular disorders in the literature. This variant has been identified in 3/279196 chromosomes in the general population by the Genome Aggregation Database (gnomAD). The available evidence is insufficient to determine the role of this variant in disease conclusively. Therefore, this variant is classified as a Variant of Uncertain Significance.

All of Us Research Program, National Institutes of Health
Classification: Uncertain significance for Catecholaminergic polymorphic ventricular tachycardia. Last evaluated: 2023-08-15. Review status: criteria provided, single submitter. Criteria: ACMG Guidelines, 2015. Collection method: clinical testing. Allele origin: germline. Inheritance: Autosomal dominant inheritance. Observed: 1 variant allele, 1 heterozygote.
Comment: This variant is located in the RYR2 protein. Computational prediction is inconclusive regarding the impact of this variant on protein structure and function (internally defined REVEL score threshold 0.5 < inconclusive < 0.7, PMID: 27666373). To our knowledge, functional studies have not been reported for this variant. This variant has not been reported in individuals affected with cardiovascular disorders in the literature. This variant has been identified in 3/279196 chromosomes in the general population by the Genome Aggregation Database (gnomAD). The available evidence is insufficient to determine the role of this variant in disease conclusively. Therefore, this variant is classified as a Variant of Uncertain Significance.

This study involves interpretation of variants in research participants for the purpose of population health screening. Participant phenotype was not available at the time of variant classification. Additional details can be found in publication PMID: 35346344, PMCID: PMC8962531

Illumina Laboratory Services, Illumina
Classification: Uncertain significance for Catecholaminergic polymorphic ventricular tachycardia 1. Last evaluated: 2018-01-12. Review status: criteria provided, single submitter. Criteria: ICSL Variant Classification Criteria 13 December 2019. Collection method: clinical testing. Allele origin: germline.

Illumina Laboratory Services, Illumina
Classification: Uncertain significance for Catecholaminergic polymorphic ventricular tachycardia 1. Last evaluated: 2018-01-12. Review status: criteria provided, single submitter. Criteria: ICSL Variant Classification Criteria 13 December 2019. Collection method: clinical testing. Allele origin: germline.

NM_001035.3(RYR2):c.4250A>G (p.Tyr1417Cys)

Gene: RYR2 (ryanodine receptor 2; plus strand). Cytogenetic location: 1q43.
Variant type: single nucleotide variant.
Coding change: c.4250A>G on transcript NM_001035.3 (MANE Select); coding-DNA position 4250, A replaced by G.
Protein change: p.Tyr1417Cys; replaces tyrosine 1417 with cysteine.
Molecular consequence: missense variant.
Genome position (GRCh38, 1-based): chr1:237,591,828, A>G. VCF-style: chr1-237591828-A-G. GRCh37 (hg19) VCF-style: chr1-237755128-A-G.
Other names: c.4250A>G, p.Tyr1417Cys (LRG_402t1); short protein forms Y1417C.
Identifiers: ClinVar variation 296723 (VCV000296723.12), dbSNP rs777557037, ClinGen allele CA072679.